The following is an entry in ClinVar:

NM_032578.4(MYPN):c.161G>C (p.Gly54Ala)

Gene: MYPN (myopalladin; plus strand). Cytogenetic location: 10q21.3.
Variant type: single nucleotide variant.
Coding change: c.161G>C on transcript NM_032578.4 (MANE Select); coding-DNA position 161, G replaced by C.
Protein change: p.Gly54Ala; replaces glycine 54 with alanine.
Molecular consequence: missense variant. On other transcripts: 5 prime UTR variant (1), non-coding transcript variant (1).
Genome position (GRCh38, 1-based): chr10:68,121,599, G>C. VCF-style: chr10-68121599-G-C. GRCh37 (hg19) VCF-style: chr10-69881356-G-C.
Other names: c.161G>C, p.Gly54Ala (NM_001256267.2); c.-962G>C (NM_001256268.2); c.161G>C (NM_032578.2); short protein forms G54A.
Identifiers: ClinVar variation 1898917 (VCV001898917.4), dbSNP rs2042243361, ClinGen allele CA377103731.
Genomic context (GRCh38, chr10:68,121,599, plus strand): 5'-GAGCGGAGCCCTCCTCCAACCCTTGCCATTTCGGCAGTCCTTCTGGGGCCGCTGAAGGAG[G>C]CGGAGGCCAAGATGACCTTCCAGATCTTTCAGCCTTTCTGAGCCAAGAAGAATTAGACGA-3'
Protein context (NP_115967.2, residues 44-64): FGSPSGAAEG[Gly54Ala]GGQDDLPDLS

ClinVar aggregate classification (germline): Uncertain significance. Review status: criteria provided, multiple submitters, no conflicts (2 of 4 stars). 2 submissions from 2 submitters: Uncertain significance (2). Last evaluated 2025-12-22.

Conditions:
Cardiovascular phenotype. Identifiers: MedGen CN230736.
Dilated cardiomyopathy 1KK (CMD1KK). Identifiers: Orphanet 154, Orphanet 75249, MedGen C3714995, MONDO:0014100, OMIM 615248.

Allele frequency attached by ClinVar (database versions not stated): TOPMed below 0.00001.

Submissions (2):

Ambry Genetics
Classification: Uncertain significance for Cardiovascular phenotype. Last evaluated: 2025-12-22. Review status: criteria provided, single submitter. Criteria: Ambry Variant Classification Scheme 2023. Collection method: clinical testing. Allele origin: germline.

Labcorp Genetics (formerly Invitae), Labcorp
Classification: Uncertain significance for Dilated cardiomyopathy 1KK. Last evaluated: 2022-10-19. Review status: criteria provided, single submitter. Criteria: Invitae Variant Classification Sherloc (09022015). Collection method: clinical testing. Allele origin: germline.
Comment: In summary, the available evidence is currently insufficient to determine the role of this variant in disease. Therefore, it has been classified as a Variant of Uncertain Significance. Algorithms developed to predict the effect of missense changes on protein structure and function (SIFT, PolyPhen-2, Align-GVGD) all suggest that this variant is likely to be tolerated. This variant has not been reported in the literature in individuals affected with MYPN-related conditions. This variant is not present in population databases (gnomAD no frequency). This sequence change replaces glycine, which is neutral and non-polar, with alanine, which is neutral and non-polar, at codon 54 of the MYPN protein (p.Gly54Ala).